The following is an entry in ClinVar:

ClinVar aggregate classification (germline): Uncertain significance (1 of 4 stars; one submission).

Conditions:
SPTBN1-related disorder. Also called: SPTBN1-related condition.

Submission:

PreventionGenetics, part of Exact Sciences
Classification: Uncertain significance for SPTBN1-related condition. Last evaluated: 2025-05-29. Review status: criteria provided, single submitter. Criteria: ACMG Guidelines, 2015. Collection method: clinical testing. Allele origin: germline.
Comment: The SPTBN1 c.6050T>C variant is predicted to result in the amino acid substitution p.Leu2017Pro. To our knowledge, this variant has not been reported in the literature or in a large population database, indicating this variant is rare. At this time, the clinical significance of this variant is uncertain due to the absence of conclusive functional and genetic evidence.

NM_003128.3(SPTBN1):c.6050T>C (p.Leu2017Pro)

Gene: SPTBN1 (spectrin beta, non-erythrocytic 1; plus strand). Cytogenetic location: 2p16.2.
Variant type: single nucleotide variant.
Coding change: c.6050T>C on transcript NM_003128.3 (MANE Select); coding-DNA position 6050, T replaced by C.
Protein change: p.Leu2017Pro; replaces leucine 2017 with proline.
Molecular consequence: missense variant.
Genome position (GRCh38, 1-based): chr2:54,657,853, T>C. VCF-style: chr2-54657853-T-C. GRCh37 (hg19) VCF-style: chr2-54884990-T-C.
Other names: c.6011T>C, p.Leu2004Pro (NM_178313.3); short protein forms L2004P, L2017P.
Identifiers: ClinVar variation 3344135 (VCV003344135.2).